The following is an entry in ClinVar:

ClinVar aggregate classification (germline): Uncertain significance (1 of 4 stars; one submission).

gnomAD v4.1: 2 of 1,551,746 alleles (0.00013%); no homozygotes.

Submission:

Labcorp Genetics (formerly Invitae), Labcorp
Classification: Uncertain significance. Last evaluated: 2023-06-13. Review status: criteria provided, single submitter. Criteria: Invitae Variant Classification Sherloc (09022015). Collection method: clinical testing. Allele origin: germline.
Comment: This sequence change replaces valine, which is neutral and non-polar, with leucine, which is neutral and non-polar, at codon 471 of the DTHD1 protein (p.Val471Leu). This variant is not present in population databases (gnomAD no frequency). This variant has not been reported in the literature in individuals affected with DTHD1-related conditions. ClinVar contains an entry for this variant (Variation ID: 1058460). Algorithms developed to predict the effect of missense changes on protein structure and function output the following: SIFT: "Not Available"; PolyPhen-2: "Benign"; Align-GVGD: "Not Available". The leucine amino acid residue is found in multiple mammalian species, which suggests that this missense change does not adversely affect protein function. In summary, the available evidence is currently insufficient to determine the role of this variant in disease. Therefore, it has been classified as a Variant of Uncertain Significance.

NM_001170700.3(DTHD1):c.2281G>T (p.Val761Leu)

Gene: DTHD1 (death domain containing 1; plus strand). Cytogenetic location: 4p14.
Variant type: single nucleotide variant.
Coding change: c.2281G>T on transcript NM_001170700.3 (MANE Select); coding-DNA position 2281, G replaced by T.
Protein change: p.Val761Leu; replaces valine 761 with leucine.
Molecular consequence: missense variant. On other transcripts: non-coding transcript variant (2).
Genome position (GRCh38, 1-based): chr4:36,316,427, G>T. VCF-style: chr4-36316427-G-T. GRCh37 (hg19) VCF-style: chr4-36318049-G-T.
Other names: c.1411G>T, p.Val471Leu (NM_001136536.5); c.1348G>T, p.Val450Leu (NM_001378435.1); short protein forms V450L, V471L, V761L.
Identifiers: ClinVar variation 1058460 (VCV001058460.9), dbSNP rs542659542, ClinGen allele CA356681715.